The following is an entry in ClinVar:

ClinVar aggregate classification (germline): Uncertain significance (1 of 4 stars; one submission).

Allele frequency attached by ClinVar (database versions not stated): gnomAD 0.00002; TOPMed 0.00002; ExAC 0.00003; gnomAD exomes 0.00003.
gnomAD v4.1: 51 of 1,613,520 alleles (0.0032%); highest among the groups gnomAD compares: South Asian, 0.024%; no homozygotes.

Submission:

Labcorp Genetics (formerly Invitae), Labcorp
Classification: Uncertain significance. Last evaluated: 2022-11-12. Review status: criteria provided, single submitter. Criteria: Invitae Variant Classification Sherloc (09022015). Collection method: clinical testing. Allele origin: germline.
Comment: In summary, the available evidence is currently insufficient to determine the role of this variant in disease. Therefore, it has been classified as a Variant of Uncertain Significance. This sequence change replaces arginine, which is basic and polar, with tryptophan, which is neutral and slightly polar, at codon 1572 of the HMCN1 protein (p.Arg1572Trp). This variant is present in population databases (rs772049579, gnomAD 0.02%). This variant has not been reported in the literature in individuals affected with HMCN1-related conditions. Algorithms developed to predict the effect of missense changes on protein structure and function are either unavailable or do not agree on the potential impact of this missense change (SIFT: "Deleterious"; PolyPhen-2: "Probably Damaging"; Align-GVGD: "Class C0").

NM_031935.3(HMCN1):c.4714C>T (p.Arg1572Trp)

Gene: HMCN1 (hemicentin 1; plus strand). Cytogenetic location: 1q31.1.
Variant type: single nucleotide variant.
Coding change: c.4714C>T on transcript NM_031935.3 (MANE Select); coding-DNA position 4714, C replaced by T.
Protein change: p.Arg1572Trp; replaces arginine 1572 with tryptophan.
Molecular consequence: missense variant.
Genome position (GRCh38, 1-based): chr1:186,015,242, C>T. VCF-style: chr1-186015242-C-T. GRCh37 (hg19) VCF-style: chr1-185984374-C-T.
Other names: short protein forms R1572W.
Identifiers: ClinVar variation 2163128 (VCV002163128.4), dbSNP rs772049579, ClinGen allele CA1292084.